The following is an entry in ClinVar:

ClinVar aggregate classification (germline): Uncertain significance (1 of 4 stars; one submission).

Conditions:
Cystic fibrosis (CF). Also called: MUCOVISCIDOSIS. Identifiers: Orphanet 586, MedGen C0010674, MONDO:0009061, OMIM 219700. Disease mechanism: loss of function.

Submission:

Ambry Genetics
Classification: Uncertain significance for Cystic fibrosis. Last evaluated: 2024-08-12. Review status: criteria provided, single submitter. Criteria: Ambry Variant Classification Scheme 2023. Collection method: clinical testing. Allele origin: germline.
Comment: The p.L989F variant (also known as c.2965C>T), located in coding exon 18 of the CFTR gene, results from a C to T substitution at nucleotide position 2965. The leucine at codon 989 is replaced by phenylalanine, an amino acid with highly similar properties. This amino acid position is conserved. In addition, the in silico prediction for this alteration is inconclusive. Based on the available evidence, the clinical significance of this variant remains unclear.

NM_000492.4(CFTR):c.2965C>T (p.Leu989Phe)

Genes: CFTR (CF transmembrane conductance regulator; plus strand), CFTR-AS2 (CFTR antisense RNA 2; minus strand). Cytogenetic location: 7q31.2.
Variant type: single nucleotide variant.
Coding change: c.2965C>T on transcript NM_000492.4 (MANE Select); coding-DNA position 2965, C replaced by T.
Protein change: p.Leu989Phe; replaces leucine 989 with phenylalanine.
Molecular consequence: missense variant.
Genome position (GRCh38, 1-based): chr7:117,606,730, C>T. VCF-style: chr7-117606730-C-T. GRCh37 (hg19) VCF-style: chr7-117246784-C-T.
Other names: short protein forms L989F.
Identifiers: ClinVar variation 3491646 (VCV003491646.1).